The following is an entry in ClinVar:

NM_001326342.2(CELF2):c.1190C>T (p.Thr397Ile)

Genes: CELF2 (CUGBP Elav-like family member 2; plus strand), CELF2-AS1 (CELF2 antisense RNA 1; minus strand). Cytogenetic location: 10p14.
Variant type: single nucleotide variant.
Coding change: c.1190C>T on transcript NM_001326342.2 (MANE Select); coding-DNA position 1190, C replaced by T.
Protein change: p.Thr397Ile; replaces threonine 397 with isoleucine.
Molecular consequence: missense variant. On other transcripts: intron variant (1).
Genome position (GRCh38, 1-based): chr10:11,321,282, C>T. VCF-style: chr10-11321282-C-T. GRCh37 (hg19) VCF-style: chr10-11363245-C-T.
Other names: c.1184C>T, p.Thr395Ile (NM_001394518.1, NM_001394519.1); c.1190C>T, p.Thr397Ile (NM_006561.4); c.1088-4554C>T (NM_001326337.2); c.1097C>T, p.Thr366Ile (NM_001025076.2, NM_001326318.2, NM_001326320.2 and 6 more transcripts); c.1151C>T, p.Thr384Ile (NM_001025077.3, NM_001326319.2, NM_001326332.2); c.1091C>T, p.Thr364Ile (NM_001083591.1); c.1079C>T, p.Thr360Ile (NM_001326317.2, NM_001326344.2, NM_001326348.2 and 2 more transcripts); c.1121C>T, p.Thr374Ile (NM_001326321.2); and 14 more; short protein forms T156I, T162I, T273I, T279I, T360I, T364I, T366I, T372I.
Identifiers: ClinVar variation 5017306 (VCV005017306.1).
Genomic context (GRCh38, chr10:11,321,282, plus strand): 5'-ATGGAGGACTTGGCGCCACAGGCTTGACGAATGGCACGGCTGGCACCATGGACGCCCTCA[C>T]CCAGGCCTACTCAGGAATTCAACAGTACGCAGCCGCCGCGCTGCCCACTCTGTACAGCCA-3'
Protein context (NP_001313271.1, residues 387-407): NGTAGTMDAL[Thr397Ile]QAYSGIQQYA

ClinVar aggregate classification (germline): Uncertain significance (1 of 4 stars; one submission).

Submission:

GeneDx
Classification: Uncertain significance. Last evaluated: 2026-03-24. Review status: criteria provided, single submitter. Criteria: GeneDx Variant Classification Process June 2021. Collection method: clinical testing. Allele origin: germline.
Comment: Not observed at significant frequency in large population cohorts (gnomAD); In silico analysis supports that this missense variant has a deleterious effect on protein structure/function; Has not been previously published as pathogenic or benign to our knowledge